The following is an entry in ClinVar:

ClinVar aggregate classification (germline): Conflicting classifications of pathogenicity. Review status: criteria provided, conflicting classifications (1 of 4 stars). 4 submissions from 4 submitters: Uncertain significance (3); Likely benign (1). Last evaluated 2025-12-23.

Conditions:
Dyskeratosis congenita. Identifiers: Orphanet 1775, MedGen C0265965, MONDO:0015780.
Idiopathic Pulmonary Fibrosis. Also called: Idiopathic fibrosing alveolitis, chronic form; idiopathic fibrosing alveolitis. Identifiers: Orphanet 2032, MedGen C1800706, MeSH D054990, MONDO:0800504.
Dyskeratosis congenita, autosomal dominant 2. Identifiers: MedGen C3151443, MONDO:0013521, OMIM 613989.

Allele frequency attached by ClinVar (database versions not stated): gnomAD exomes 0.00002 and 0.00003; TOPMed 0.00002; ExAC 0.00006.
gnomAD v4.1: 37 of 1,579,428 alleles (0.0023%); highest among the groups gnomAD compares: Non-Finnish European, 0.0031%; no homozygotes.

Submissions (4):

Labcorp Genetics (formerly Invitae), Labcorp
Classification: Uncertain significance for Dyskeratosis congenita, autosomal dominant 2; Idiopathic Pulmonary Fibrosis. Last evaluated: 2025-12-23. Review status: criteria provided, single submitter. Criteria: Invitae Variant Classification Sherloc (09022015). Collection method: clinical testing. Allele origin: germline.
Comment: This sequence change replaces alanine, which is neutral and non-polar, with threonine, which is neutral and polar, at codon 184 of the TERT protein (p.Ala184Thr). The frequency data for this variant in the population databases is considered unreliable, as metrics indicate poor data quality at this position in the gnomAD database. This variant has not been reported in the literature in individuals affected with TERT-related conditions. ClinVar contains an entry for this variant (Variation ID: 471895). Invitae Evidence Modeling of protein sequence and biophysical properties (such as structural, functional, and spatial information, amino acid conservation, physicochemical variation, residue mobility, and thermodynamic stability) indicates that this missense variant is not expected to disrupt TERT protein function with a negative predictive value of 95%. In summary, the available evidence is currently insufficient to determine the role of this variant in disease. Therefore, it has been classified as a Variant of Uncertain Significance.

Ambry Genetics
Classification: Likely benign for Dyskeratosis congenita. Last evaluated: 2024-12-19. Review status: criteria provided, single submitter. Criteria: Ambry Variant Classification Scheme 2023. Collection method: clinical testing. Allele origin: germline.

GeneDx
Classification: Uncertain significance. Last evaluated: 2023-06-13. Review status: criteria provided, single submitter. Criteria: GeneDx Variant Classification Process June 2021. Collection method: clinical testing. Allele origin: germline.
Comment: In silico analysis supports that this missense variant does not alter protein structure/function; Has not been previously published as pathogenic or benign to our knowledge

Institute for Clinical Genetics, University Hospital TU Dresden, University Hospital TU Dresden
Classification: Uncertain significance. Last evaluated: 2021-11-03. Review status: criteria provided, single submitter. Criteria: ACMG Guidelines, 2015. Collection method: clinical testing. Allele origin: germline.

NM_198253.3(TERT):c.550G>A (p.Ala184Thr)

Gene: TERT (telomerase reverse transcriptase; minus strand). Cytogenetic location: 5p15.33.
Variant type: single nucleotide variant.
Coding change: c.550G>A on transcript NM_198253.3 (MANE Select); coding-DNA position 550, G replaced by A.
Protein change: p.Ala184Thr; replaces alanine 184 with threonine.
Molecular consequence: missense variant. On other transcripts: non-coding transcript variant (2).
Genome position (GRCh38, 1-based): chr5:1,294,336, C>T on the plus strand (G>A on the coding strand, the complement: TERT is on the minus strand). VCF-style: chr5-1294336-C-T. GRCh37 (hg19) VCF-style: chr5-1294451-C-T.
Other names: c.550G>A, p.Ala184Thr (NM_001193376.3); short protein forms A184T.
Identifiers: ClinVar variation 471895 (VCV000471895.52), dbSNP rs773758089, ClinGen allele CA3184960.